The following is an entry in ClinVar:

ClinVar aggregate classification (germline): Uncertain significance (1 of 4 stars; one submission).

Submission:

Labcorp Genetics (formerly Invitae), Labcorp
Classification: Uncertain significance. Last evaluated: 2022-06-27. Review status: criteria provided, single submitter. Criteria: Invitae Variant Classification Sherloc (09022015). Collection method: clinical testing. Allele origin: germline.
Comment: In summary, the available evidence is currently insufficient to determine the role of this variant in disease. Therefore, it has been classified as a Variant of Uncertain Significance. Algorithms developed to predict the effect of missense changes on protein structure and function are either unavailable or do not agree on the potential impact of this missense change (SIFT: "Tolerated"; PolyPhen-2: "Possibly Damaging"; Align-GVGD: "Class C15"). This sequence change replaces glycine, which is neutral and non-polar, with cysteine, which is neutral and slightly polar, at codon 454 of the MMP2 protein (p.Gly454Cys). This variant is not present in population databases (gnomAD no frequency). This variant has not been reported in the literature in individuals affected with MMP2-related conditions.

NM_004530.6(MMP2):c.1360G>T (p.Gly454Cys)

Gene: MMP2 (matrix metallopeptidase 2; plus strand). Cytogenetic location: 16q12.2.
Variant type: single nucleotide variant.
Coding change: c.1360G>T on transcript NM_004530.6 (MANE Select); coding-DNA position 1360, G replaced by T.
Protein change: p.Gly454Cys; replaces glycine 454 with cysteine.
Molecular consequence: missense variant.
Genome position (GRCh38, 1-based): chr16:55,493,181, G>T. VCF-style: chr16-55493181-G-T. GRCh37 (hg19) VCF-style: chr16-55527093-G-T.
Other names: c.1210G>T, p.Gly404Cys (NM_001127891.3); c.1132G>T, p.Gly378Cys (NM_001302508.1, NM_001302509.2, NM_001302510.2); short protein forms G378C, G454C, G404C.
Identifiers: ClinVar variation 1407879 (VCV001407879.6), dbSNP rs2142361148, ClinGen allele CA395937044.